The following is an entry in ClinVar:

NM_000393.5(COL5A2):c.567+3G>A

Gene: COL5A2 (collagen type V alpha 2 chain; minus strand). Cytogenetic location: 2q32.2.
Variant type: single nucleotide variant.
Coding change: c.567+3G>A on transcript NM_000393.5 (MANE Select); 3 bases into the intron after coding-DNA position 567, G replaced by A.
Molecular consequence: intron variant.
Genome position (GRCh38, 1-based): chr2:189,092,307, C>T on the plus strand (G>A on the coding strand, the complement: COL5A2 is on the minus strand). VCF-style: chr2-189092307-C-T. GRCh37 (hg19) VCF-style: chr2-189957033-C-T.
Identifiers: ClinVar variation 1958500 (VCV001958500.5), dbSNP rs2469376212, ClinGen allele CA2580065282.

ClinVar aggregate classification (germline): Uncertain significance (1 of 4 stars; one submission).

Conditions:
Ehlers-Danlos syndrome, classic type, 1 (EDSCL1). Also called: EHLERS-DANLOS SYNDROME, GRAVIS TYPE; EHLERS-DANLOS SYNDROME, SEVERE CLASSIC TYPE; Ehlers-Danlos syndrome, type 1; EDS I; Ehlers-Danlos Syndrome, Classic Type, COL5A1-Related. Identifiers: MedGen C0268335, MONDO:0019567, OMIM 130000.

Allele frequency attached by ClinVar (database versions not stated): gnomAD exomes below 0.00001.
gnomAD v4.1: 1 of 1,586,426 alleles (0.000063%); highest among the groups gnomAD compares: Non-Finnish European, 0.000086%; no homozygotes.

Submission:

Labcorp Genetics (formerly Invitae), Labcorp
Classification: Uncertain significance for Ehlers-Danlos syndrome, classic type, 1. Last evaluated: 2022-08-06. Review status: criteria provided, single submitter. Criteria: Invitae Variant Classification Sherloc (09022015). Collection method: clinical testing. Allele origin: germline.
Comment: This variant is not present in population databases (gnomAD no frequency). This sequence change falls in intron 7 of the COL5A2 gene. It does not directly change the encoded amino acid sequence of the COL5A2 protein. It affects a nucleotide within the consensus splice site. Variants that disrupt the consensus splice site are a relatively common cause of aberrant splicing (PMID: 17576681, 9536098). Algorithms developed to predict the effect of sequence changes on RNA splicing suggest that this variant is not likely to affect RNA splicing. In summary, the available evidence is currently insufficient to determine the role of this variant in disease. Therefore, it has been classified as a Variant of Uncertain Significance. This variant has not been reported in the literature in individuals affected with COL5A2-related conditions.

Literature cited by the submitters: PubMed 17576681; PubMed 9536098.